The following is an entry in ClinVar:

NM_000821.7(GGCX):c.826A>T (p.Arg276Ter)

Gene: GGCX (gamma-glutamyl carboxylase; minus strand). Cytogenetic location: 2p11.2.
Variant type: single nucleotide variant.
Coding change: c.826A>T on transcript NM_000821.7 (MANE Select); coding-DNA position 826, A replaced by T.
Protein change: p.Arg276Ter; replaces arginine 276 with a stop codon.
Molecular consequence: nonsense.
Genome position (GRCh38, 1-based): chr2:85,554,206, T>A on the plus strand (A>T on the coding strand, the complement: GGCX is on the minus strand). VCF-style: chr2-85554206-T-A. GRCh37 (hg19) VCF-style: chr2-85781329-T-A.
Other names: c.655A>T, p.Arg219Ter (NM_001142269.4); short protein forms R276*, R219*.
Identifiers: ClinVar variation 1968318 (VCV001968318.5), dbSNP rs1346714219, ClinGen allele CA347489112.

ClinVar aggregate classification (germline): Pathogenic (1 of 4 stars; one submission).

Allele frequency attached by ClinVar (database versions not stated): gnomAD 0.00001; gnomAD exomes 0.00001; TOPMed 0.00001.

Submission:

Labcorp Genetics (formerly Invitae), Labcorp
Classification: Pathogenic. Last evaluated: 2025-09-28. Review status: criteria provided, single submitter. Criteria: Invitae Variant Classification Sherloc (09022015). Collection method: clinical testing. Allele origin: germline.
Comment: This sequence change creates a premature translational stop signal (p.Arg276*) in the GGCX gene. It is expected to result in an absent or disrupted protein product. Loss-of-function variants in GGCX are known to be pathogenic (PMID: 17110937, 17327402, 24520408). This variant is not present in population databases (gnomAD no frequency). This variant has not been reported in the literature in individuals affected with GGCX-related conditions. ClinVar contains an entry for this variant (Variation ID: 1968318). Algorithms developed to predict the effect of sequence changes on RNA splicing suggest that this variant may disrupt the consensus splice site. For these reasons, this variant has been classified as Pathogenic.

Literature cited by the submitters: PubMed 17110937; PubMed 17327402; PubMed 24520408.